The following is an entry in ClinVar:

ClinVar aggregate classification (germline): Uncertain significance (1 of 4 stars; one submission).

Allele frequency attached by ClinVar (database versions not stated): gnomAD exomes below 0.00001; ExAC 0.00001.
gnomAD v4.1: 6 of 1,610,680 alleles (0.00037%); highest among the groups gnomAD compares: South Asian, 0.0011%; no homozygotes.

Submission:

Labcorp Genetics (formerly Invitae), Labcorp
Classification: Uncertain significance. Last evaluated: 2023-08-25. Review status: criteria provided, single submitter. Criteria: Invitae Variant Classification Sherloc (09022015). Collection method: clinical testing. Allele origin: germline.
Comment: This sequence change replaces leucine, which is neutral and non-polar, with phenylalanine, which is neutral and non-polar, at codon 342 of the IFNAR1 protein (p.Leu342Phe). This variant is present in population databases (rs758798407, gnomAD 0.003%). This variant has not been reported in the literature in individuals affected with IFNAR1-related conditions. ClinVar contains an entry for this variant (Variation ID: 1516793). An algorithm developed to predict the effect of missense changes on protein structure and function (PolyPhen-2) suggests that this variant¬†is likely to be tolerated. In summary, the available evidence is currently insufficient to determine the role of this variant in disease. Therefore, it has been classified as a Variant of Uncertain Significance.

NM_000629.3(IFNAR1):c.1024C>T (p.Leu342Phe)

Gene: IFNAR1 (interferon alpha and beta receptor subunit 1; plus strand). Cytogenetic location: 21q22.11.
Variant type: single nucleotide variant.
Coding change: c.1024C>T on transcript NM_000629.3 (MANE Select); coding-DNA position 1024, C replaced by T.
Protein change: p.Leu342Phe; replaces leucine 342 with phenylalanine.
Molecular consequence: missense variant.
Genome position (GRCh38, 1-based): chr21:33,349,424, C>T. VCF-style: chr21-33349424-C-T. GRCh37 (hg19) VCF-style: chr21-34721730-C-T.
Other names: c.1024C>T, p.Leu342Phe (NM_001384498.1, NM_001384499.1, NM_001384503.1); c.262C>T, p.Leu88Phe (NM_001384500.1); c.1009C>T, p.Leu337Phe (NM_001384501.1); c.562C>T, p.Leu188Phe (NM_001384502.1); c.817C>T, p.Leu273Phe (NM_001384504.1); short protein forms L188F, L337F, L273F, L342F, L88F.
Identifiers: ClinVar variation 1516793 (VCV001516793.5), dbSNP rs758798407, ClinGen allele CA10006642.